The following is an entry in ClinVar:

ClinVar aggregate classification (germline): Uncertain significance (1 of 4 stars; one submission).

Conditions:
Noonan syndrome 9 (NS9). Identifiers: Orphanet 648, MedGen C4225282, MONDO:0014691, OMIM 616559.

Submission:

Labcorp Genetics (formerly Invitae), Labcorp
Classification: Uncertain significance for Noonan syndrome 9. Last evaluated: 2022-06-01. Review status: criteria provided, single submitter. Criteria: Invitae Variant Classification Sherloc (09022015). Collection method: clinical testing. Allele origin: germline.
Comment: This sequence change replaces proline, which is neutral and non-polar, with arginine, which is basic and polar, at codon 471 of the SOS2 protein (p.Pro471Arg). This variant is not present in population databases (gnomAD no frequency). This variant has not been reported in the literature in individuals affected with SOS2-related conditions. Advanced modeling of protein sequence and biophysical properties (such as structural, functional, and spatial information, amino acid conservation, physicochemical variation, residue mobility, and thermodynamic stability) performed at Invitae indicates that this missense variant is not expected to disrupt SOS2 protein function. In summary, the available evidence is currently insufficient to determine the role of this variant in disease. Therefore, it has been classified as a Variant of Uncertain Significance.

NM_006939.4(SOS2):c.1412C>G (p.Pro471Arg)

Gene: SOS2 (SOS Ras/Rho guanine nucleotide exchange factor 2; minus strand). Cytogenetic location: 14q21.3.
Variant type: single nucleotide variant.
Coding change: c.1412C>G on transcript NM_006939.4 (MANE Select); coding-DNA position 1412, C replaced by G.
Protein change: p.Pro471Arg; replaces proline 471 with arginine.
Molecular consequence: missense variant.
Genome position (GRCh38, 1-based): chr14:50,159,871, G>C on the plus strand (C>G on the coding strand, the complement: SOS2 is on the minus strand). VCF-style: chr14-50159871-G-C. GRCh37 (hg19) VCF-style: chr14-50626589-G-C.
Other names: c.1313C>G, p.Pro438Arg (NM_001411020.1); short protein forms P438R, P471R.
Identifiers: ClinVar variation 1994299 (VCV001994299.4), dbSNP rs2502990799, ClinGen allele CA389645838.